The following is an entry in ClinVar:

ClinVar aggregate classification (germline): Benign (3 of 4 stars; one submission).

Conditions:
Breast-ovarian cancer, familial, susceptibility to, 2 (BROVCA2). Also called: BRCA2 Hereditary Breast and Ovarian Cancer. Identifiers: Orphanet 145, MedGen C2675520, MONDO:0012933, OMIM 612555. Disease mechanism: loss of function.

Allele frequency attached by ClinVar (database versions not stated): gnomAD 0.00257 and 0.00279; TOPMed 0.00292; 1000 Genomes Project 0.00339; 1000 Genomes Project 30x 0.00344.
gnomAD v4.1: 390 of 152,342 alleles (0.26%); highest among the groups gnomAD compares: African/African-American, 0.88%; 1 homozygote.

Submission:

Evidence-based Network for the Interpretation of Germline Mutant Alleles (ENIGMA)
Classification: Benign for Breast-ovarian cancer, familial 2. Last evaluated: 2015-01-12. Review status: reviewed by expert panel. Criteria: ENIGMA BRCA1/2 Classification Criteria (2015). Collection method: curation. Allele origin: germline.
Comment: Class 1 not pathogenic based on frequency >1% in an outbred sampleset. Frequency 0.01626 (African), derived from 1000 genomes (2012-04-30).

NM_000059.4(BRCA2):c.9648+409A>G

Gene: BRCA2 (BRCA2 DNA repair associated; plus strand). Cytogenetic location: 13q13.1.
Variant type: single nucleotide variant.
Coding change: c.9648+409A>G on transcript NM_000059.4 (MANE Select); 409 bases into the intron after coding-DNA position 9648, A replaced by G.
Molecular consequence: intron variant.
Genome position (GRCh38, 1-based): chr13:32,397,453, A>G. VCF-style: chr13-32397453-A-G. GRCh37 (hg19) VCF-style: chr13-32971590-A-G.
Other names: IVS 26+409A>G.
Identifiers: ClinVar variation 209920 (VCV000209920.1), dbSNP rs61066503, ClinGen allele CA276887.
Genomic context (GRCh38, chr13:32,397,453, plus strand): 5'-AAGTCTTTAACATTGGCTAATGGCTGATTCTTAAATAGCTAATACTTGCTAAGGGTATCT[A>G]TATTAACTCATTTAATCCTCATAACAACCCTATGAGATAAAACCTAAGTCCTCACTTAAC-3'